The following is an entry in ClinVar:

NM_206933.4(USH2A):c.5299A>G (p.Met1767Val)

Genes: USH2A (usherin; minus strand), USH2A-AS2 (USH2A antisense RNA 2; plus strand). Cytogenetic location: 1q41.
Variant type: single nucleotide variant.
Coding change: c.5299A>G on transcript NM_206933.4 (MANE Select); coding-DNA position 5299, A replaced by G.
Protein change: p.Met1767Val; replaces methionine 1767 with valine.
Molecular consequence: missense variant.
Genome position (GRCh38, 1-based): chr1:216,078,362, T>C on the plus strand (A>G on the coding strand, the complement: USH2A is on the minus strand). VCF-style: chr1-216078362-T-C. GRCh37 (hg19) VCF-style: chr1-216251704-T-C.
Other names: short protein forms M1767V.
Identifiers: ClinVar variation 1308450 (VCV001308450.2), dbSNP rs2031826279, ClinGen allele CA344856672.

ClinVar aggregate classification (germline): Uncertain significance (1 of 4 stars; one submission).

Allele frequency attached by ClinVar (database versions not stated): gnomAD 0.00001.

Submission:

GeneDx
Classification: Uncertain significance. Last evaluated: 2019-04-10. Review status: criteria provided, single submitter. Criteria: GeneDx Variant Classification Process June 2021. Collection method: clinical testing. Allele origin: germline. Affected: yes.
Comment: Not observed in large population cohorts (Lek et al., 2016); In silico analysis, which includes protein predictors and evolutionary conservation, supports that this variant does not alter protein structure/function; In-silico analysis, which includes splice predictors and evolutionary conservation, is inconclusive as to whether the variant alters gene splicing. In the absence of RNA/functional studies, the actual effect of this sequence change is unknown.; Has not been previously published as pathogenic or benign to our knowledge